The following is an entry in ClinVar:

ClinVar aggregate classification (germline): Uncertain significance (0 of 4 stars; one submission).

Allele frequency attached by ClinVar (database versions not stated): ExAC 0.00002; gnomAD 0.00003; gnomAD exomes 0.00003 and 0.00004; TOPMed 0.00003.
gnomAD v4.1: 46 of 1,613,952 alleles (0.0029%); highest among the groups gnomAD compares: African/African-American, 0.0067%; no homozygotes.

Submission:

Department of Pathology and Laboratory Medicine, Sinai Health System
Classification: Uncertain significance. Review status: no assertion criteria provided. Collection method: clinical testing. Allele origin: unknown. Affected: yes. Study: The Canadian Open Genetics Repository (COGR).
Comment: The DCC p.Pro1359Leu variant was not identified in the literature nor was it identified in ClinVar, Cosmic or LOVD 3.0. The variant was identified in dbSNP (ID: rs750334840) and in control databases in 9 of 251472 chromosomes at a frequency of 0.000036 (Genome Aggregation Database Feb 27, 2017). The variant was observed in the following populations: African in 2 of 16256 chromosomes (freq: 0.000123), East Asian in 1 of 18394 chromosomes (freq: 0.000054), European (non-Finnish) in 5 of 113758 chromosomes (freq: 0.000044) and Latino in 1 of 34582 chromosomes (freq: 0.000029); it was not observed in the Ashkenazi Jewish, European (Finnish), Other, and South Asian populations. The p.Pro1359 residue is conserved across mammals and other organisms, and four out of five computational analyses (PolyPhen-2, SIFT, BLOSUM, MutationTaster) suggest that the variant may impact the protein; however, this information is not predictive enough to assume pathogenicity. The variant occurs outside of the splicing consensus sequence and in silico or computational prediction software programs (SpliceSiteFinder, MaxEntScan, NNSPLICE, GeneSplicer) do not predict a difference in splicing. In summary, based on the above information the clinical significance of this variant cannot be determined with certainty at this time. This variant is classified as a variant of uncertain significance.

NM_005215.4(DCC):c.4076C>T (p.Pro1359Leu)

Gene: DCC (DCC netrin 1 receptor; plus strand). Cytogenetic location: 18q21.2.
Variant type: single nucleotide variant.
Coding change: c.4076C>T on transcript NM_005215.4 (MANE Select); coding-DNA position 4076, C replaced by T.
Protein change: p.Pro1359Leu; replaces proline 1359 with leucine.
Molecular consequence: missense variant.
Genome position (GRCh38, 1-based): chr18:53,499,475, C>T. VCF-style: chr18-53499475-C-T. GRCh37 (hg19) VCF-style: chr18-51025845-C-T.
Other names: short protein forms P1359L.
Identifiers: ClinVar variation 1049531 (VCV001049531.1), dbSNP rs750334840, ClinGen allele CA8967708.
Genomic context (GRCh38, chr18:53,499,475, plus strand): 5'-CTCACCCACTCCGCAGCTTTGCTAATCCTTTGCTACCTCCACCAATGAGTGCAATAGAAC[C>T]GAAAGTCCCTTACACACCACTTTTGTCTCAGCCAGGTAAAGTACTCGGTTGTTCACCTTT-3'
Protein context (NP_005206.2, residues 1349-1369): LLPPPMSAIE[Pro1359Leu]KVPYTPLLSQ